The following is an entry in ClinVar:

NM_032634.4(PIGO):c.2281A>C (p.Lys761Gln)

Gene: PIGO (phosphatidylinositol glycan anchor biosynthesis class O; minus strand). Cytogenetic location: 9p13.3.
Variant type: single nucleotide variant.
Coding change: c.2281A>C on transcript NM_032634.4 (MANE Select); coding-DNA position 2281, A replaced by C.
Protein change: p.Lys761Gln; replaces lysine 761 with glutamine.
Molecular consequence: missense variant. On other transcripts: intron variant (2).
Genome position (GRCh38, 1-based): chr9:35,091,606, T>G on the plus strand (A>C on the coding strand, the complement: PIGO is on the minus strand). VCF-style: chr9-35091606-T-G. GRCh37 (hg19) VCF-style: chr9-35091603-T-G.
Other names: c.1345-315A>C (NM_152850.4, NM_001201484.2); short protein forms K761Q.
Identifiers: ClinVar variation 1486290 (VCV001486290.6), dbSNP rs2131074474, ClinGen allele CA373320384.

ClinVar aggregate classification (germline): Uncertain significance (1 of 4 stars; one submission).

Conditions:
Hyperphosphatasia with impaired intellectual development syndrome 2. Also called: Hyperphosphatasia with intellectual disability syndrome 2; GLYCOSYLPHOSPHATIDYLINOSITOL BIOSYNTHESIS DEFECT 6. Identifiers: Orphanet 247262, MedGen C3553637, MONDO:0013882, OMIM 614749.

Submission:

Labcorp Genetics (formerly Invitae), Labcorp
Classification: Uncertain significance for Hyperphosphatasia with impaired intellectual development syndrome 2. Last evaluated: 2022-06-27. Review status: criteria provided, single submitter. Criteria: Invitae Variant Classification Sherloc (09022015). Collection method: clinical testing. Allele origin: germline.
Comment: This sequence change replaces lysine, which is basic and polar, with glutamine, which is neutral and polar, at codon 761 of the PIGO protein (p.Lys761Gln). In summary, the available evidence is currently insufficient to determine the role of this variant in disease. Therefore, it has been classified as a Variant of Uncertain Significance. Algorithms developed to predict the effect of missense changes on protein structure and function output the following: SIFT: "Tolerated"; PolyPhen-2: "Benign"; Align-GVGD: "Class C0". The glutamine amino acid residue is found in multiple mammalian species, which suggests that this missense change does not adversely affect protein function. This variant has not been reported in the literature in individuals affected with PIGO-related conditions. This variant is not present in population databases (gnomAD no frequency).